The following is an entry in ClinVar:

ClinVar aggregate classification (germline): Uncertain significance (1 of 4 stars; one submission).

Conditions:
Familial intrahepatic cholestasis. Identifiers: Orphanet 284385, MedGen CN296401, MONDO:0017290.

Submission:

Genomenon, Inc
Classification: Uncertain significance for Familial intrahepatic cholestasis. Last evaluated: 2026-04-14. Review status: criteria provided, single submitter. Criteria: Genomenon Sequence Variant Interpretation Standards - Updated. Collection method: curation. Allele origin: germline. Affected: yes.
Comment: ATP8B1 p.Thr704Arg (c.2111C>G) is a missense variant that changes the amino acid at residue 704 from Threonine to Arginine. This variant has been observed in at least one proband with features of ATP8B1-deficiency (PMID:34961929). It is absent or not present at a significant frequency in gnomAD. In silico models predict that this variant is possibly or probably damaging. In conclusion, we classify ATP8B1 p.Thr704Arg (c.2111C>G) as a variant of uncertain significance.

Literature cited by the submitters: PubMed 34961929.

NM_001374385.1(ATP8B1):c.2111C>G (p.Thr704Arg)

Genes: ATP8B1 (ATPase phospholipid transporting 8B1; minus strand), ATP8B1-AS1 (ATP8B1 antisense RNA 1; plus strand). Cytogenetic location: 18q21.31.
Variant type: single nucleotide variant.
Coding change: c.2111C>G on transcript NM_001374385.1 (MANE Select); coding-DNA position 2111, C replaced by G.
Protein change: p.Thr704Arg; replaces threonine 704 with arginine.
Molecular consequence: missense variant. On other transcripts: non-coding transcript variant (1).
Genome position (GRCh38, 1-based): chr18:57,668,527, G>C on the plus strand (C>G on the coding strand, the complement: ATP8B1 is on the minus strand). VCF-style: chr18-57668527-G-C. GRCh37 (hg19) VCF-style: chr18-55335759-G-C.
Other names: c.1961C>G, p.Thr654Arg (NM_001374386.1); c.2111C>G, p.Thr704Arg (NM_005603.6); short protein forms T654R, T704R.
Identifiers: ClinVar variation 4846296 (VCV004846296.1).